The following is an entry in ClinVar:

ClinVar aggregate classification (germline): Uncertain significance (1 of 4 stars; one submission).

Allele frequency attached by ClinVar (database versions not stated): gnomAD exomes below 0.00001; ExAC 0.00001.
gnomAD v4.1: 1 of 1,612,714 alleles (0.000062%); highest among the groups gnomAD compares: Non-Finnish European, 0.000085%; no homozygotes.

Submission:

Ambry Genetics
Classification: Uncertain significance. Last evaluated: 2021-09-26. Review status: criteria provided, single submitter. Criteria: Ambry Variant Classification Scheme 2023. Collection method: clinical testing. Allele origin: germline.
Comment: The p.P949L variant (also known as c.2846C>T), located in coding exon 25 of the PRKDC gene, results from a C to T substitution at nucleotide position 2846. The proline at codon 949 is replaced by leucine, an amino acid with similar properties. This amino acid position is conserved. In addition, this alteration is predicted to be tolerated by in silico analysis. Since supporting evidence is limited at this time, the clinical significance of this alteration remains unclear.

NM_006904.7(PRKDC):c.2846C>T (p.Pro949Leu)

Gene: PRKDC (protein kinase, DNA-activated, catalytic subunit; minus strand). Cytogenetic location: 8q11.21.
Variant type: single nucleotide variant.
Coding change: c.2846C>T on transcript NM_006904.7 (MANE Select); coding-DNA position 2846, C replaced by T.
Protein change: p.Pro949Leu; replaces proline 949 with leucine.
Molecular consequence: missense variant.
Genome position (GRCh38, 1-based): chr8:47,912,498, G>A on the plus strand (C>T on the coding strand, the complement: PRKDC is on the minus strand). VCF-style: chr8-47912498-G-A. GRCh37 (hg19) VCF-style: chr8-48825058-G-A.
Other names: c.2846C>T, p.Pro949Leu (NM_001081640.2); short protein forms P949L.
Identifiers: ClinVar variation 1796772 (VCV001796772.2), dbSNP rs769522845, ClinGen allele CA4741352.